The following is an entry in ClinVar:

ClinVar aggregate classification (germline): Uncertain significance (1 of 4 stars; one submission).

Submission:

Labcorp Genetics (formerly Invitae), Labcorp
Classification: Uncertain significance. Last evaluated: 2025-02-10. Review status: criteria provided, single submitter. Criteria: Invitae Variant Classification Sherloc (09022015). Collection method: clinical testing. Allele origin: germline.
Comment: This sequence change replaces histidine, which is basic and polar, with arginine, which is basic and polar, at codon 815 of the PRPF8 protein (p.His815Arg). This variant is not present in population databases (gnomAD no frequency). This variant has not been reported in the literature in individuals affected with PRPF8-related conditions. Invitae Evidence Modeling of protein sequence and biophysical properties (such as structural, functional, and spatial information, amino acid conservation, physicochemical variation, residue mobility, and thermodynamic stability) indicates that this missense variant is not expected to disrupt PRPF8 protein function with a negative predictive value of 80%. In summary, the available evidence is currently insufficient to determine the role of this variant in disease. Therefore, it has been classified as a Variant of Uncertain Significance.

NM_006445.4(PRPF8):c.2444A>G (p.His815Arg)

Gene: PRPF8 (pre-mRNA processing factor 8; minus strand). Cytogenetic location: 17p13.3.
Variant type: single nucleotide variant.
Coding change: c.2444A>G on transcript NM_006445.4 (MANE Select); coding-DNA position 2444, A replaced by G.
Protein change: p.His815Arg; replaces histidine 815 with arginine.
Molecular consequence: missense variant.
Genome position (GRCh38, 1-based): chr17:1,676,315, T>C on the plus strand (A>G on the coding strand, the complement: PRPF8 is on the minus strand). VCF-style: chr17-1676315-T-C. GRCh37 (hg19) VCF-style: chr17-1579609-T-C.
Other names: short protein forms H815R.
Identifiers: ClinVar variation 4744057 (VCV004744057.1).